The following is an entry in ClinVar:

NM_000019.4(ACAT1):c.73-12T>C

Gene: ACAT1 (acetyl-CoA acetyltransferase 1; plus strand). Cytogenetic location: 11q22.3.
Variant type: single nucleotide variant.
Coding change: c.73-12T>C on transcript NM_000019.4 (MANE Select); 12 bases into the intron before coding-DNA position 73, T replaced by C.
Molecular consequence: intron variant.
Genome position (GRCh38, 1-based): chr11:108,131,895, T>C. VCF-style: chr11-108131895-T-C. GRCh37 (hg19) VCF-style: chr11-108002622-T-C.
Other names: p.?; c.-198-12T>C (NM_001386682.1, NM_001386681.1, NM_001386685.1 and 6 more transcripts); c.73-12T>C (NM_001386677.1, NM_001386678.1); c.-205-12T>C (NM_001386679.1).
Identifiers: ClinVar variation 4683686 (VCV004683686.1).

ClinVar aggregate classification (germline): Likely benign (1 of 4 stars; one submission).

gnomAD v4.1: 1 of 1,242,068 alleles (0.000081%); highest among the groups gnomAD compares: Non-Finnish European, 0.00011%; no homozygotes.

Submission:

Mayo Clinic Laboratories, Mayo Clinic
Classification: Likely benign. Last evaluated: 2025-01-06. Review status: criteria provided, single submitter. Criteria: ACMG Guidelines, 2015. Collection method: clinical testing. Allele origin: germline. Observed: 1 variant allele.
Comment: BP4, BP7